The following is an entry in ClinVar:

ClinVar aggregate classification (germline): Uncertain significance. Review status: criteria provided, multiple submitters, no conflicts (2 of 4 stars). 11 submissions from 11 submitters: Uncertain significance (9). 2 of the submissions do not count toward it. Last evaluated 2025-11-30.

Conditions:
BRCA2-related disorder. Also called: BRCA2-related condition; BRCA2-related disorders. Identifiers: MedGen CN239275.
Hereditary cancer-predisposing syndrome. Also called: Hereditary neoplastic syndrome; Tumor predisposition; Hereditary Cancer Syndrome; Neoplastic Syndromes, Hereditary. Identifiers: Orphanet 140162, MedGen C0027672, MeSH D009386, MONDO:0015356.
Hereditary breast ovarian cancer syndrome. Also called: Breast and ovarian cancer; Hereditary breast and/or ovarian cancer syndrome; BRCA1- and BRCA2-Associated Hereditary Breast and Ovarian Cancer; Hereditary breast and ovarian cancer syndrome; Hereditary breast and ovarian cancer; Hereditary breast and ovarian cancer syndrome (HBOC). Identifiers: Orphanet 145, MedGen C0677776, MeSH D061325, MONDO:0003582. Disease mechanism: loss of function.
Breast-ovarian cancer, familial, susceptibility to, 2 (BROVCA2). Also called: BRCA2 Hereditary Breast and Ovarian Cancer. Identifiers: Orphanet 145, MedGen C2675520, MONDO:0012933, OMIM 612555. Disease mechanism: loss of function.
Familial cancer of breast. Also called: BREAST CANCER, FAMILIAL; Hereditary breast cancer; hereditary breast carcinoma. Identifiers: Orphanet 227535, MedGen C0346153, MONDO:0016419, OMIM 114480. Disease mechanism: loss of function.

Allele frequency attached by ClinVar (database versions not stated): TOPMed below 0.00001; gnomAD exomes 0.00001; ExAC 0.00002; gnomAD 0.00003 and 0.00004.
gnomAD v4.1: 18 of 1,612,756 alleles (0.0011%); highest among the groups gnomAD compares: Admixed American, 0.0067%; no homozygotes.

Submissions (11):

Labcorp Genetics (formerly Invitae), Labcorp
Classification: Uncertain significance for Hereditary breast ovarian cancer syndrome. Last evaluated: 2025-11-30. Review status: criteria provided, single submitter. Criteria: Invitae Variant Classification Sherloc (09022015). Collection method: clinical testing. Allele origin: germline.
Comment: This sequence change replaces lysine, which is basic and polar, with glutamic acid, which is acidic and polar, at codon 3083 of the BRCA2 protein (p.Lys3083Glu). This variant is present in population databases (rs80359190, gnomAD 0.003%). This missense change has been observed in individual(s) with breast cancer and/or prostate cancer (PMID: 18176857, 31825140, 32853339, 34326862). ClinVar contains an entry for this variant (Variation ID: 38223). Invitae Evidence Modeling of protein sequence and biophysical properties (such as structural, functional, and spatial information, amino acid conservation, physicochemical variation, residue mobility, and thermodynamic stability) indicates that this missense variant is not expected to disrupt BRCA2 protein function with a negative predictive value of 95%. In summary, the available evidence is currently insufficient to determine the role of this variant in disease. Therefore, it has been classified as a Variant of Uncertain Significance.

Women's Health and Genetics/Laboratory Corporation of America, LabCorp
Classification: Uncertain significance. Last evaluated: 2025-09-08. Review status: criteria provided, single submitter. Criteria: LabCorp Variant Classification Summary - May 2015. Collection method: clinical testing. Allele origin: germline.
Comment: Variant summary: BRCA2 c.9247A>G (p.Lys3083Glu) results in a conservative amino acid change in the encoded protein sequence. Algorithms developed to predict the effect of missense changes on protein structure and function are either unavailable or do not agree on the potential impact of this missense change. The variant allele was found at a frequency of 1.2e-05 in 249984 control chromosomes. The available data on variant occurrences in the general population are insufficient to allow any conclusion about variant significance. c.9247A>G has been observed as a VUS in settings of multigene panel testing among individuals with breast cancer, non-aggressive prostate cancer, or colorectal cancer (e.g., Miramar_2008, Gao_2020, Darst_2021, Youssef_2023). These report(s) do not provide unequivocal conclusions about association of the variant with Hereditary Breast And Ovarian Cancer Syndrome. To our knowledge, no experimental evidence demonstrating an impact on protein function has been reported. The following publications have been ascertained in the context of this evaluation (PMID: 32853339, 31825140, 19043619, 18176857, 37804357). ClinVar contains an entry for this variant (Variation ID: 38223). Based on the evidence outlined above, the variant was classified as uncertain significance.

PreventionGenetics, part of Exact Sciences
Classification: Uncertain significance for BRCA2-related condition. Last evaluated: 2025-07-16. Review status: criteria provided, single submitter. Criteria: ACMG Guidelines, 2015. Collection method: clinical testing. Allele origin: germline.
Comment: The BRCA2 c.9247A>G variant is predicted to result in the amino acid substitution p.Lys3083Glu. This variant was reported in individuals with prostate, breast and/or ovarian cancer (Gao et al 2020. PubMed ID: 31825140; Darst BF et al 2021. PubMed ID: 32853339; Bhai et al. 2021. PubMed ID: 34326862). This variant is reported in 0.0028% of alleles in individuals of Latino descent in gnomAD, and is interpreted as a variant of uncertain significance in ClinVar. At this time, the clinical significance of this variant is uncertain due to the absence of conclusive functional and genetic evidence.

Ambry Genetics
Classification: Uncertain significance for Hereditary cancer-predisposing syndrome. Last evaluated: 2025-04-22. Review status: criteria provided, single submitter. Criteria: Ambry Variant Classification Scheme 2023. Collection method: clinical testing. Allele origin: germline.
Comment: The p.K3083E variant (also known as c.9247A>G), located in coding exon 23 of the BRCA2 gene, results from an A to G substitution at nucleotide position 9247. The lysine at codon 3083 is replaced by glutamic acid, an amino acid with similar properties. In a study utilizing a bioinformatics method that integrates information about protein sequence, conservation, and structure in a protein likelihood ratio, the effect of this alteration was predicted neutral (Karchin R et al. Cancer Inform. 2008;6:203-16). This amino acid position is well conserved in available vertebrate species. In addition, the in silico prediction for this alteration is inconclusive. Since supporting evidence is limited at this time, the clinical significance of this alteration remains unclear.

All of Us Research Program, National Institutes of Health
Classification: Uncertain significance for Breast-ovarian cancer, familial, susceptibility to, 2. Last evaluated: 2024-01-11. Review status: criteria provided, single submitter. Criteria: ACMG Guidelines, 2015. Collection method: clinical testing. Allele origin: germline. Inheritance: Autosomal dominant inheritance. Observed: 8 variant alleles, 8 heterozygotes.
Comment: This missense variant replaces lysine with glutamic acid at codon 3083 of the BRCA2 protein. Computational prediction is inconclusive regarding the impact of this variant on protein structure and function (internally defined REVEL score threshold 0.5 < inconclusive < 0.7, PMID: 27666373). To our knowledge, functional studies have not been reported for this variant. This variant has been reported in two individuals affected with breast or ovarian cancer (PMID: 18176857, 31825140), an individual affected with prostate cancer (PMID: 32853339), and an individual affected with lung cancer and basal cell carcinoma (PMID: 28843361). This variant has been identified in 4/281360 chromosomes in the general population by the Genome Aggregation Database (gnomAD). The available evidence is insufficient to determine the role of this variant in disease conclusively. Therefore, this variant is classified as a Variant of Uncertain Significance.

This study involves interpretation of variants in research participants for the purpose of population health screening. Participant phenotype was not available at the time of variant classification. Additional details can be found in publication PMID: 35346344, PMCID: PMC8962531

Baylor Genetics
Classification: Uncertain significance for Familial cancer of breast. Last evaluated: 2023-11-27. Review status: criteria provided, single submitter. Criteria: ACMG Guidelines, 2015. Collection method: clinical testing. Allele origin: unknown.

Quest Diagnostics Nichols Institute San Juan Capistrano
Classification: Uncertain significance. Last evaluated: 2023-09-15. Review status: criteria provided, single submitter. Criteria: Quest Diagnostics criteria. Collection method: clinical testing. Allele origin: unknown.
Comment: In the published literature, this variant has been reported in individuals with breast and/or ovarian cancer (PMID: 18176857 (2008)) and prostate cancer (PMID: 32853339 (2021)). The frequency of this variant in the general population, 0.000023 (3/128622 chromosomes (Genome Aggregation Database)), is uninformative in the assessment of its pathogenicity. Analysis of this variant using bioinformatics tools for the prediction of the effect of amino acid changes on protein structure and function yielded conflicting predictions that this variant is benign or damaging. Based on the available information, we are unable to determine the clinical significance of this variant.

GeneDx
Classification: Uncertain significance. Last evaluated: 2023-07-11. Review status: criteria provided, single submitter. Criteria: GeneDx Variant Classification Process June 2021. Collection method: clinical testing. Allele origin: germline. Affected: yes.
Comment: Observed in individuals with breast and prostate cancer (Miramar et al., 2008; Darst et al., 2021); Not observed at significant frequency in large population cohorts (gnomAD); In silico analysis supports that this missense variant does not alter protein structure/function; Also known as 9475A>G; This variant is associated with the following publications: (PMID: 19043619, 24312913, 29387975, 32853339, 12655567, 31825140, 12228710, 18176857)

Color Diagnostics, LLC DBA Color Health
Classification: Uncertain significance for Hereditary cancer-predisposing syndrome. Last evaluated: 2023-04-28. Review status: criteria provided, single submitter. Criteria: ACMG Guidelines, 2015. Collection method: clinical testing. Allele origin: germline.
Comment: This missense variant replaces lysine with glutamic acid at codon 3083 of the BRCA2 protein. Computational prediction is inconclusive regarding the impact of this variant on protein structure and function (internally defined REVEL score threshold 0.5 < inconclusive < 0.7, PMID: 27666373). To our knowledge, functional studies have not been reported for this variant. This variant has been reported in two individuals affected with breast or ovarian cancer (PMID: 18176857, 31825140), an individual affected with prostate cancer (PMID: 32853339), and an individual affected with lung cancer and basal cell carcinoma (PMID: 28843361). This variant has been identified in 4/281360 chromosomes in the general population by the Genome Aggregation Database (gnomAD). The available evidence is insufficient to determine the role of this variant in disease conclusively. Therefore, this variant is classified as a Variant of Uncertain Significance.

Sharing Clinical Reports Project (SCRP)
Classification: Uncertain significance for Breast-ovarian cancer, familial 2. Last evaluated: 2012-04-24. Review status: no assertion criteria provided. Collection method: clinical testing. Allele origin: germline. Not counted in ClinVar's aggregate classification.

Breast Cancer Information Core (BIC) (BRCA2)
Classification: Uncertain significance for Breast-ovarian cancer, familial 2. Last evaluated: 2001-02-16. Review status: no assertion criteria provided. Collection method: clinical testing. Allele origin: germline. Affected: yes. Observed: 2 variant alleles. Not counted in ClinVar's aggregate classification.

Literature cited by the submitters: PubMed 18176857 (cited by 5 submitters); PubMed 31825140 (cited by 5 submitters); PubMed 32853339 (cited by 5 submitters); PubMed 34326862 (cited by Labcorp Genetics (formerly Invitae), Labcorp); PubMed 19043619 (cited by 3 submitters); PubMed 37804357 (cited by Women's Health and Genetics/Laboratory Corporation of America, LabCorp); PubMed 28843361 (cited by All of Us Research Program, National Institutes of Health and Color Diagnostics, LLC DBA Color Health); PubMed 24312913 (cited by Quest Diagnostics Nichols Institute San Juan Capistrano).

NM_000059.4(BRCA2):c.9247A>G (p.Lys3083Glu)

Gene: BRCA2 (BRCA2 DNA repair associated; plus strand). Cytogenetic location: 13q13.1.
Variant type: single nucleotide variant.
Coding change: c.9247A>G on transcript NM_000059.4 (MANE Select); coding-DNA position 9247, A replaced by G.
Protein change: p.Lys3083Glu; replaces lysine 3083 with glutamic acid.
Molecular consequence: missense variant.
Genome position (GRCh38, 1-based): chr13:32,380,136, A>G. VCF-style: chr13-32380136-A-G. GRCh37 (hg19) VCF-style: chr13-32954273-A-G.
Other names: p.K3083E:AAA>GAA; 9475A>G; short protein forms K3083E.
Identifiers: ClinVar variation 38223 (VCV000038223.30), dbSNP rs80359190, ClinGen allele CA026048.